The following is an entry in ClinVar:

NM_000238.4(KCNH2):c.1353G>A (p.Pro451=)

Gene: KCNH2 (potassium voltage-gated channel subfamily H member 2; minus strand). Cytogenetic location: 7q36.1.
Variant type: single nucleotide variant.
Coding change: c.1353G>A on transcript NM_000238.4 (MANE Select); coding-DNA position 1353, G replaced by A.
Protein change: p.Pro451=; no amino-acid change (proline 451 retained).
Molecular consequence: synonymous variant. On other transcripts: non-coding transcript variant (2).
Genome position (GRCh38, 1-based): chr7:150,952,629, C>T on the plus strand (G>A on the coding strand, the complement: KCNH2 is on the minus strand). VCF-style: chr7-150952629-C-T. GRCh37 (hg19) VCF-style: chr7-150649717-C-T.
Other names: p.P451P:CCG>CCA; c.333G>A, p.Pro111= (NM_001204798.2, NM_172057.3); c.1065G>A, p.Pro355= (NM_001406753.1, NM_001406756.1); c.1176G>A, p.Pro392= (NM_001406755.1); c.1053G>A, p.Pro351= (NM_001406757.1); c.1353G>A, p.Pro451= (NM_172056.3).
Identifiers: ClinVar variation 200222 (VCV000200222.20), dbSNP rs763446458, ClinGen allele CA004519.

ClinVar aggregate classification (germline): Benign/Likely benign. Review status: criteria provided, multiple submitters, no conflicts (2 of 4 stars). 6 submissions from 6 submitters: Benign (4); Likely benign (2). Last evaluated 2026-01-27.

Conditions:
Cardiovascular phenotype. Identifiers: MedGen CN230736.
Cardiac arrhythmia. Also called: Arrhythmia; Cardiac rhythm disease. Identifiers: MedGen C0003811, MONDO:0007263, HP:0011675.
Long QT syndrome (LQTS). Identifiers: MedGen C0023976, MeSH D008133, MONDO:0002442. Disease mechanism: loss of function. Inheritance: Various modes of inheritance.

Allele frequency attached by ClinVar (database versions not stated): TOPMed 0.00003; gnomAD exomes 0.00022 and 0.00055; ExAC 0.00038; gnomAD 0.00062 and 0.00067.
gnomAD v4.1: 418 of 1,614,044 alleles (0.026%); highest among the groups gnomAD compares: Non-Finnish European, 0.0028%; 2 homozygotes.

Submissions (6):

Labcorp Genetics (formerly Invitae), Labcorp
Classification: Benign for Long QT syndrome. Last evaluated: 2026-01-27. Review status: criteria provided, single submitter. Criteria: Invitae Variant Classification Sherloc (09022015). Collection method: clinical testing. Allele origin: germline.

Blueprint Genetics
Classification: Likely benign. Last evaluated: 2024-09-10. Review status: criteria provided, single submitter. Criteria: ACMG Guidelines, 2015. Collection method: clinical testing. Allele origin: germline.

All of Us Research Program, National Institutes of Health
Classification: Benign for Long QT syndrome. Last evaluated: 2024-08-06. Review status: criteria provided, single submitter. Criteria: ACMG Guidelines, 2015. Collection method: clinical testing. Allele origin: germline. Inheritance: Autosomal dominant inheritance. Observed: 9 variant alleles, 9 heterozygotes.
Comment: This study involves interpretation of variants in research participants for the purpose of population health screening. Participant phenotype was not available at the time of variant classification. Additional details can be found in publication PMID: 35346344, PMCID: PMC8962531

Color Diagnostics, LLC DBA Color Health
Classification: Benign for Arrhythmia. Last evaluated: 2018-11-25. Review status: criteria provided, single submitter. Criteria: ACMG Guidelines, 2015. Collection method: clinical testing. Allele origin: germline.

Ambry Genetics
Classification: Likely benign for Cardiovascular phenotype. Last evaluated: 2017-02-07. Review status: criteria provided, single submitter. Criteria: Ambry Variant Classification Scheme 2023. Collection method: clinical testing. Allele origin: germline.

GeneDx
Classification: Benign. Last evaluated: 2014-05-23. Review status: criteria provided, single submitter. Criteria: GeneDx Variant Classification (06012015). Collection method: clinical testing. Allele origin: germline. Affected: yes.
Comment: This variant is considered likely benign or benign based on one or more of the following criteria: it is a conservative change, it occurs at a poorly conserved position in the protein, it is predicted to be benign by multiple in silico algorithms, and/or has population frequency not consistent with disease.